The following is an entry in ClinVar:

NM_006420.3(ARFGEF2):c.4755+273A>G

Gene: ARFGEF2 (ARF guanine nucleotide exchange factor 2; plus strand). Cytogenetic location: 20q13.13.
Variant type: single nucleotide variant.
Coding change: c.4755+273A>G on transcript NM_006420.3 (MANE Select); 273 bases into the intron after coding-DNA position 4755, A replaced by G.
Molecular consequence: intron variant.
Genome position (GRCh38, 1-based): chr20:49,023,454, A>G. VCF-style: chr20-49023454-A-G. GRCh37 (hg19) VCF-style: chr20-47639991-A-G.
Identifiers: ClinVar variation 667995 (VCV000667995.1), dbSNP rs2426107, ClinGen allele CA315914887.
Genomic context (GRCh38, chr20:49,023,454, plus strand): 5'-GGCTTCATTTTTTTTATGTATATACCCCAGAGAGTGAGTTTATGAGCATACCACTGCTCA[A>G]ATGCCACCCCACTAGTGTTAGTTATCACAGGAACTATTCCCCACAATTGATATACAGTTT-3'

ClinVar aggregate classification (germline): Benign (1 of 4 stars; one submission).

Allele frequency attached by ClinVar (database versions not stated): 1000 Genomes Project 0.70787; 1000 Genomes Project 30x 0.71127; TOPMed 0.75083; gnomAD 0.75402 and 0.76254.
gnomAD v4.1: 114,590 of 151,944 alleles (75%); highest among the groups gnomAD compares: African/African-American, 88%; 43,889 homozygotes.

Submission:

GeneDx
Classification: Benign. Last evaluated: 2018-06-19. Review status: criteria provided, single submitter. Criteria: GeneDx Variant Classification (06012015). Collection method: clinical testing. Allele origin: germline. Affected: yes.
Comment: This variant is considered likely benign or benign based on one or more of the following criteria: it is a conservative change, it occurs at a poorly conserved position in the protein, it is predicted to be benign by multiple in silico algorithms, and/or has population frequency not consistent with disease.